The following is an entry in ClinVar:

ClinVar aggregate classification (germline): Uncertain significance. Review status: criteria provided, multiple submitters, no conflicts (2 of 4 stars). 3 submissions from 3 submitters: Uncertain significance (3). Last evaluated 2025-10-04.

Conditions:
Familial thoracic aortic aneurysm and aortic dissection (TAAD). Also called: Thoracic aortic aneurysms and dissections. Identifiers: Orphanet 91387, MedGen C4707243, MONDO:0019625.
Aortic aneurysm, familial thoracic 4 (AAT4). Also called: AORTIC ANEURYSM/AORTIC DISSECTION AND PATENT DUCTUS ARTERIOSUS. Identifiers: MedGen C1851504, MONDO:0007568, OMIM 132900.

Allele frequency attached by ClinVar (database versions not stated): TOPMed below 0.00001; gnomAD 0.00001 and 0.00002.
gnomAD v4.1: 22 of 1,613,992 alleles (0.0014%); highest among the groups gnomAD compares: South Asian, 0.0033%; no homozygotes.

Submissions (3):

Labcorp Genetics (formerly Invitae), Labcorp
Classification: Uncertain significance for Aortic aneurysm, familial thoracic 4. Last evaluated: 2025-10-04. Review status: criteria provided, single submitter. Criteria: Invitae Variant Classification Sherloc (09022015). Collection method: clinical testing. Allele origin: germline.
Comment: This sequence change replaces threonine, which is neutral and polar, with methionine, which is neutral and non-polar, at codon 1610 of the MYH11 protein (p.Thr1610Met). This variant is present in population databases (rs376105806, gnomAD 0.002%). This variant has not been reported in the literature in individuals affected with MYH11-related conditions. ClinVar contains an entry for this variant (Variation ID: 318107). Invitae Evidence Modeling of protein sequence and biophysical properties (such as structural, functional, and spatial information, amino acid conservation, physicochemical variation, residue mobility, and thermodynamic stability) indicates that this missense variant is not expected to disrupt MYH11 protein function with a negative predictive value of 95%. In summary, the available evidence is currently insufficient to determine the role of this variant in disease. Therefore, it has been classified as a Variant of Uncertain Significance.

Color Diagnostics, LLC DBA Color Health
Classification: Uncertain significance for Familial thoracic aortic aneurysm and aortic dissection. Last evaluated: 2024-03-06. Review status: criteria provided, single submitter. Criteria: ACMG Guidelines, 2015. Collection method: clinical testing. Allele origin: germline.
Comment: This missense variant replaces threonine with methionine at codon 1610 of the MYH11 protein. Computational prediction suggests that this variant may not impact protein structure and function (internally defined REVEL score threshold <= 0.5, PMID: 27666373). To our knowledge, functional studies have not been reported for this variant. This variant has not been reported in individuals affected with MYH11-related disorders in the literature. This variant has been identified in 2/282488 chromosomes in the general population by the Genome Aggregation Database (gnomAD). The available evidence is insufficient to determine the role of this variant in disease conclusively. Therefore, this variant is classified as a Variant of Uncertain Significance.

Illumina Laboratory Services, Illumina
Classification: Uncertain significance for Aortic aneurysm, familial thoracic 4. Last evaluated: 2018-01-13. Review status: criteria provided, single submitter. Criteria: ICSL Variant Classification Criteria 13 December 2019. Collection method: clinical testing. Allele origin: germline.

NM_002474.3(MYH11):c.4808C>T (p.Thr1603Met)

Genes: MYH11 (myosin heavy chain 11; minus strand), NDE1 (nudE neurodevelopment protein 1; plus strand). Cytogenetic location: 16p13.11.
Variant type: single nucleotide variant.
Coding change: c.4808C>T on transcript NM_002474.3 (MANE Select); coding-DNA position 4808, C replaced by T.
Protein change: p.Thr1603Met; replaces threonine 1603 with methionine.
Molecular consequence: missense variant. On other transcripts: intron variant (2).
Genome position (GRCh38, 1-based): chr16:15,720,296, G>A on the plus strand (C>T on the coding strand, the complement: MYH11 is on the minus strand). VCF-style: chr16-15720296-G-A. GRCh37 (hg19) VCF-style: chr16-15814153-G-A.
Other names: c.4829C>T, p.Thr1610Met (NM_001040113.2, NM_001040114.2); c.4808C>T, p.Thr1603Met (NM_022844.3); c.948-3895G>A (NM_001143979.2, NM_017668.3); short protein forms T1603M, T1610M.
Identifiers: ClinVar variation 318107 (VCV000318107.13), dbSNP rs376105806, ClinGen allele CA7921533.